The following is an entry in ClinVar:

NM_024334.3(TMEM43):c.883-47C>T

Gene: TMEM43 (transmembrane protein 43; plus strand). Cytogenetic location: 3p25.1.
Variant type: single nucleotide variant.
Coding change: c.883-47C>T on transcript NM_024334.3 (MANE Select); 47 bases into the intron before coding-DNA position 883, C replaced by T.
Molecular consequence: intron variant.
Genome position (GRCh38, 1-based): chr3:14,139,133, C>T. VCF-style: chr3-14139133-C-T. GRCh37 (hg19) VCF-style: chr3-14180633-C-T.
Identifiers: ClinVar variation 671209 (VCV000671209.6), dbSNP rs2731320, ClinGen allele CA056136.

ClinVar aggregate classification (germline): Benign. Review status: criteria provided, multiple submitters, no conflicts (2 of 4 stars). 5 submissions from 4 submitters: Benign (5). Last evaluated 2026-09-21.

Conditions:
Emery-Dreifuss muscular dystrophy 7, autosomal dominant (EDMD7). Also called: Emery-Dreifuss muscular dystrophy 7, AD. Identifiers: Orphanet 261, MedGen C3553060, MONDO:0013677, OMIM 614302.
Arrhythmogenic right ventricular dysplasia 5. Also called: ARRHYTHMOGENIC RIGHT VENTRICULAR DYSPLASIA, FAMILIAL, 5; Arrhythmogenic Right Ventricular Dysplasia/Cardiomyopathy 5. Identifiers: MedGen C1858379, MONDO:0011459, OMIM 604400.

Allele frequency attached by ClinVar (database versions not stated): TOPMed 0.14766; gnomAD exomes 0.19240 and 0.15927; ExAC 0.15763; 1000 Genomes Project 0.09645; 1000 Genomes Project 30x 0.09853; gnomAD 0.15625 and 0.16071; ESP Exome Variant Server 0.16308.

Submissions (5):

Molecular Diagnostic Laboratory for Inherited Cardiovascular Disease, Montreal Heart Institute
Classification: Benign. Last evaluated: 2026-09-21. Review status: criteria provided, single submitter. Criteria: ACMG Guidelines, 2015. Collection method: clinical testing. Allele origin: germline. Affected: no.

Genome-Nilou Lab
Classification: Benign for Arrhythmogenic right ventricular dysplasia 5. Last evaluated: 2021-09-10. Review status: criteria provided, single submitter. Criteria: ACMG Guidelines, 2015. Collection method: clinical testing. Allele origin: germline. Affected: no.

Genome-Nilou Lab
Classification: Benign for Emery-Dreifuss muscular dystrophy 7, autosomal dominant. Last evaluated: 2021-09-10. Review status: criteria provided, single submitter. Criteria: ACMG Guidelines, 2015. Collection method: clinical testing. Allele origin: germline. Affected: no.

GeneDx
Classification: Benign. Last evaluated: 2018-06-18. Review status: criteria provided, single submitter. Criteria: GeneDx Variant Classification (06012015). Collection method: clinical testing. Allele origin: germline. Affected: yes.
Comment: This variant is considered likely benign or benign based on one or more of the following criteria: it is a conservative change, it occurs at a poorly conserved position in the protein, it is predicted to be benign by multiple in silico algorithms, and/or has population frequency not consistent with disease.

Breakthrough Genomics
Classification: Benign. Review status: criteria provided, single submitter. Criteria: ACMG Guidelines, 2015. Collection method: not provided. Allele origin: germline. Inheritance: Autosomal dominant inheritance. Affected: yes.